The following is an entry in ClinVar:

ClinVar aggregate classification (germline): Uncertain significance (1 of 4 stars; one submission).

gnomAD v4.1: 1 of 1,614,114 alleles (0.000062%); highest among the groups gnomAD compares: African/African-American, 0.0013%; no homozygotes.

Submission:

Labcorp Genetics (formerly Invitae), Labcorp
Classification: Uncertain significance. Last evaluated: 2024-03-21. Review status: criteria provided, single submitter. Criteria: Invitae Variant Classification Sherloc (09022015). Collection method: clinical testing. Allele origin: germline.
Comment: This sequence change replaces proline, which is neutral and non-polar, with serine, which is neutral and polar, at codon 189 of the HNF1A protein (p.Pro189Ser). This variant is not present in population databases (gnomAD no frequency). This variant has not been reported in the literature in individuals affected with HNF1A-related conditions. Advanced modeling of protein sequence and biophysical properties (such as structural, functional, and spatial information, amino acid conservation, physicochemical variation, residue mobility, and thermodynamic stability) performed at Invitae indicates that this missense variant is not expected to disrupt HNF1A protein function with a negative predictive value of 80%. In summary, the available evidence is currently insufficient to determine the role of this variant in disease. Therefore, it has been classified as a Variant of Uncertain Significance.

NM_000545.8(HNF1A):c.565C>T (p.Pro189Ser)

Gene: HNF1A (HNF1 homeobox A; plus strand). Cytogenetic location: 12q24.31.
Variant type: single nucleotide variant.
Coding change: c.565C>T on transcript NM_000545.8 (MANE Select); coding-DNA position 565, C replaced by T.
Protein change: p.Pro189Ser; replaces proline 189 with serine.
Molecular consequence: missense variant.
Genome position (GRCh38, 1-based): chr12:120,993,558, C>T. VCF-style: chr12-120993558-C-T. GRCh37 (hg19) VCF-style: chr12-121431361-C-T.
Other names: c.565C>T, p.Pro189Ser (NM_001306179.2, NM_001406915.1); short protein forms P189S.
Identifiers: ClinVar variation 3675079 (VCV003675079.2).